The following is an entry in ClinVar:

NM_198578.4(LRRK2):c.2680G>C (p.Asp894His)

Gene: LRRK2 (leucine rich repeat kinase 2; plus strand). Cytogenetic location: 12q12.
Variant type: single nucleotide variant.
Coding change: c.2680G>C on transcript NM_198578.4 (MANE Select); coding-DNA position 2680, G replaced by C.
Protein change: p.Asp894His; replaces aspartic acid 894 with histidine.
Molecular consequence: missense variant.
Genome position (GRCh38, 1-based): chr12:40,287,530, G>C. VCF-style: chr12-40287530-G-C. GRCh37 (hg19) VCF-style: chr12-40681332-G-C.
Other names: short protein forms D894H.
Identifiers: ClinVar variation 3292060 (VCV003292060.1).

ClinVar aggregate classification (germline): Uncertain significance (1 of 4 stars; one submission).

Conditions:
Inborn genetic diseases. Identifiers: MedGen C0950123, MeSH D030342.

Submission:

Ambry Genetics
Classification: Uncertain significance for Inborn genetic diseases. Last evaluated: 2024-06-08. Review status: criteria provided, single submitter. Criteria: Ambry Variant Classification Scheme 2023. Collection method: clinical testing. Allele origin: germline.
Comment: The p.D894H variant (also known as c.2680G>C), located in coding exon 20 of the LRRK2 gene, results from a G to C substitution at nucleotide position 2680. The aspartic acid at codon 894 is replaced by histidine, an amino acid with similar properties. This amino acid position is conserved. In addition, this alteration is predicted to be deleterious by in silico analysis. Based on the available evidence, the clinical significance of this variant remains unclear.